The following is an entry in ClinVar:

ClinVar aggregate classification (germline): conflicting data from submitters (0 of 4 stars; one submission).

Submission:

ISCA site 1
Classification: conflicting data from submitters. Last evaluated: 2015-05-18. Review status: no assertion criteria provided. Collection method: clinical testing. Allele origin: maternal, unknown. Affected: yes. Observed: 2 variant alleles.
Comment: Uncertain significance(1), Likely benign (1)

Copy number variation identified through the course of routine clinical cytogenomic testing in postnatal populations, with clinical assertions as classified by the original submitter. For data from the original published study, Kaminsky, et al. 2011 (PubMed 21844811), please see nstd101.

GRCh38/hg38 18p11.31(chr18:5958575-6596682)x3

Genes: L3MBTL4 (L3MBTL histone methyl-lysine binding protein 4; minus strand), L3MBTL4-AS1 (L3MBTL4 antisense RNA 1; plus strand), LINC01387 (long intergenic non-protein coding RNA 1387; plus strand), MIR4317 (microRNA 4317; minus strand), LOC121725015 (uncharacterized LOC121725015; plus strand) and 8 more. Cytogenetic location: 18p11.31.
Variant type: copy number gain.
Change: copy number 3 (three copies instead of two) of chr18:5,958,575-6,596,682 (638.1 kb, GRCh38 coordinates, 1-based), cytogenetic band 18p11.31.
Identifiers: ClinVar variation 154188 (VCV000154188.2).